The following is an entry in ClinVar:

ClinVar aggregate classification (germline): Benign/Likely benign. Review status: criteria provided, multiple submitters, no conflicts (2 of 4 stars). 5 submissions from 5 submitters: Benign (1); Likely benign (4). Last evaluated 2024-02-22.

Conditions:
Classic or attenuated familial adenomatous polyposis. Identifiers: MedGen CN372698, MONDO:0021057.
Hereditary cancer-predisposing syndrome. Also called: Tumor predisposition; Neoplastic Syndromes, Hereditary; Hereditary neoplastic syndrome; Hereditary Cancer Syndrome. Identifiers: Orphanet 140162, MedGen C0027672, MeSH D009386, MONDO:0015356.
Familial adenomatous polyposis 1 (FAP1). Also called: FAMILIAL ADENOMATOUS POLYPOSIS 1, ATTENUATED; POLYPOSIS, ADENOMATOUS INTESTINAL. Identifiers: MedGen C2713442, MONDO:0021056, OMIM 175100. Disease mechanism: loss of function.

Allele frequency attached by ClinVar (database versions not stated): TOPMed below 0.00001; gnomAD 0.00001.
gnomAD v4.1: 2 of 1,613,652 alleles (0.00012%); highest among the groups gnomAD compares: Non-Finnish European, 0.000085%; no homozygotes.

Submissions (5):

Myriad Genetics, Inc.
Classification: Benign for Familial adenomatous polyposis 1. Last evaluated: 2024-02-22. Review status: criteria provided, single submitter. Criteria: Myriad Autosomal Dominant, Autosomal Recessive and X-Linked Classification Criteria (2023). Collection method: clinical testing. Allele origin: unknown.
Comment: This variant is considered benign. This variant is a silent/synonymous amino acid change and it is not expected to impact splicing.

All of Us Research Program, National Institutes of Health
Classification: Likely benign for Classic or attenuated familial adenomatous polyposis. Last evaluated: 2023-12-13. Review status: criteria provided, single submitter. Criteria: ACMG Guidelines, 2015. Collection method: clinical testing. Allele origin: germline. Inheritance: Autosomal dominant inheritance. Observed: 1 variant allele, 1 heterozygote.
Comment: This study involves interpretation of variants in research participants for the purpose of population health screening. Participant phenotype was not available at the time of variant classification. Additional details can be found in publication PMID: 35346344, PMCID: PMC8962531

Blueprint Genetics
Classification: Likely benign. Last evaluated: 2023-03-31. Review status: criteria provided, single submitter. Criteria: ACMG Guidelines, 2015. Collection method: clinical testing. Allele origin: germline.

Sema4
Classification: Likely benign for Hereditary cancer-predisposing syndrome. Last evaluated: 2021-05-28. Review status: criteria provided, single submitter. Criteria: Sema4 Curation Guidelines. Collection method: curation. Allele origin: germline.

Ambry Genetics
Classification: Likely benign for Hereditary cancer-predisposing syndrome. Last evaluated: 2014-11-13. Review status: criteria provided, single submitter. Criteria: Ambry Variant Classification Scheme 2023. Collection method: clinical testing. Allele origin: germline.

NM_000038.6(APC):c.117T>C (p.Thr39=)

Gene: APC (APC regulator of Wnt signaling pathway; plus strand). Cytogenetic location: 5q22.2.
Variant type: single nucleotide variant.
Coding change: c.117T>C on transcript NM_000038.6 (MANE Select); coding-DNA position 117, T replaced by C.
Protein change: p.Thr39=; no amino-acid change (threonine 39 retained).
Molecular consequence: synonymous variant. On other transcripts: 5 prime UTR variant (1), intron variant (8).
Genome position (GRCh38, 1-based): chr5:112,755,007, T>C. VCF-style: chr5-112755007-T-C. GRCh37 (hg19) VCF-style: chr5-112090704-T-C.
Other names: c.117T>C, p.Thr39= (NM_001127510.3, NM_001354895.2, NM_001354896.2 and 2 more transcripts); c.-919T>C (NM_001354906.2); c.166-11319T>C (NM_001354897.2, NM_001354902.2, NM_001127511.3); c.61-11319T>C (NM_001354898.2, NM_001354904.2); c.-42-11319T>C (NM_001354900.2, NM_001354901.2, NM_001354905.2).
Identifiers: ClinVar variation 187036 (VCV000187036.8), dbSNP rs751827696, ClinGen allele CA004073.